The following is an entry in ClinVar:

NM_005332.3(HBZ):c.309C>T (p.Ser103=)

Gene: HBZ (hemoglobin subunit zeta; plus strand). Cytogenetic location: 16p13.3.
Variant type: single nucleotide variant.
Coding change: c.309C>T on transcript NM_005332.3 (MANE Select); coding-DNA position 309, C replaced by T.
Protein change: p.Ser103=; no amino-acid change (serine 103 retained).
Molecular consequence: synonymous variant.
Genome position (GRCh38, 1-based): chr16:154,280, C>T. VCF-style: chr16-154280-C-T. GRCh37 (hg19) VCF-style: chr16-204279-C-T.
Identifiers: ClinVar variation 2645773 (VCV002645773.24), dbSNP rs780341332, ClinGen allele CA7769927.

ClinVar aggregate classification (germline): Likely benign (1 of 4 stars; one submission).

Allele frequency attached by ClinVar (database versions not stated): gnomAD 0.00010; gnomAD exomes 0.00014; ExAC 0.00123.
gnomAD v4.1: 177 of 1,260,538 alleles (0.014%); highest among the groups gnomAD compares: Middle Eastern, 0.023%; 1 homozygote.

Submission:

CeGaT Center for Human Genetics Tuebingen
Classification: Likely benign. Last evaluated: 2022-08-01. Review status: criteria provided, single submitter. Criteria: CeGaT Center For Human Genetics Tuebingen Variant Classification Criteria Version 2. Collection method: clinical testing. Allele origin: germline. Affected: yes. Observed: 1 variant allele.
Comment: HBZ: BP4, BP7